The following is an entry in ClinVar:

ClinVar aggregate classification (germline): Uncertain significance (1 of 4 stars; one submission).

gnomAD v4.1: 2 of 1,285,220 alleles (0.00016%); highest among the groups gnomAD compares: Non-Finnish European, 0.0002%; no homozygotes.

Submission:

Labcorp Genetics (formerly Invitae), Labcorp
Classification: Uncertain significance. Last evaluated: 2024-04-10. Review status: criteria provided, single submitter. Criteria: Invitae Variant Classification Sherloc (09022015). Collection method: clinical testing. Allele origin: germline.
Comment: This sequence change replaces proline, which is neutral and non-polar, with glutamine, which is neutral and polar, at codon 107 of the DONSON protein (p.Pro107Gln). This variant is not present in population databases (gnomAD no frequency). This variant has not been reported in the literature in individuals affected with DONSON-related conditions. ClinVar contains an entry for this variant (Variation ID: 1352922). An algorithm developed to predict the effect of missense changes on protein structure and function (PolyPhen-2) suggests that this variant¬†is likely to be tolerated. In summary, the available evidence is currently insufficient to determine the role of this variant in disease. Therefore, it has been classified as a Variant of Uncertain Significance.

NM_017613.4(DONSON):c.320C>A (p.Pro107Gln)

Gene: DONSON (DNA replication fork stabilization factor DONSON; minus strand). Cytogenetic location: 21q22.11.
Variant type: single nucleotide variant.
Coding change: c.320C>A on transcript NM_017613.4 (MANE Select); coding-DNA position 320, C replaced by A.
Protein change: p.Pro107Gln; replaces proline 107 with glutamine.
Molecular consequence: missense variant.
Genome position (GRCh38, 1-based): chr21:33,588,322, G>T on the plus strand (C>A on the coding strand, the complement: DONSON is on the minus strand). VCF-style: chr21-33588322-G-T. GRCh37 (hg19) VCF-style: chr21-34960628-G-T.
Other names: short protein forms P107Q.
Identifiers: ClinVar variation 1352922 (VCV001352922.7), dbSNP rs868557164, ClinGen allele CA320124746.